The following is an entry in ClinVar:

ClinVar aggregate classification (germline): Conflicting classifications of pathogenicity. Review status: criteria provided, conflicting classifications (1 of 4 stars). 3 submissions from 3 submitters: Uncertain significance (2); Likely benign (1). Last evaluated 2025-02-19.

Conditions:
Inborn genetic diseases. Identifiers: MedGen C0950123, MeSH D030342.

Allele frequency attached by ClinVar (database versions not stated): gnomAD exomes below 0.00001 and 0.00001; gnomAD 0.00001; ExAC 0.00002; TOPMed 0.00002.
gnomAD v4.1: 21 of 1,613,406 alleles (0.0013%); highest among the groups gnomAD compares: Middle Eastern, 0.016%; no homozygotes.

Submissions (3):

Ambry Genetics
Classification: Uncertain significance for Inborn genetic diseases. Last evaluated: 2025-02-19. Review status: criteria provided, single submitter. Criteria: Ambry Variant Classification Scheme 2023. Collection method: clinical testing. Allele origin: germline.

Blueprint Genetics
Classification: Likely benign. Last evaluated: 2024-10-21. Review status: criteria provided, single submitter. Criteria: ACMG Guidelines, 2015. Collection method: clinical testing. Allele origin: germline.

Labcorp Genetics (formerly Invitae), Labcorp
Classification: Uncertain significance. Last evaluated: 2022-08-01. Review status: criteria provided, single submitter. Criteria: Invitae Variant Classification Sherloc (09022015). Collection method: clinical testing. Allele origin: germline.
Comment: This sequence change replaces valine, which is neutral and non-polar, with isoleucine, which is neutral and non-polar, at codon 1092 of the RTTN protein (p.Val1092Ile). This variant is present in population databases (rs763211093, gnomAD 0.02%). This variant has not been reported in the literature in individuals affected with RTTN-related conditions. ClinVar contains an entry for this variant (Variation ID: 1462085). Algorithms developed to predict the effect of missense changes on protein structure and function output the following: SIFT: "Tolerated"; PolyPhen-2: "Benign"; Align-GVGD: "Class C0". The isoleucine amino acid residue is found in multiple mammalian species, which suggests that this missense change does not adversely affect protein function. In summary, the available evidence is currently insufficient to determine the role of this variant in disease. Therefore, it has been classified as a Variant of Uncertain Significance.

NM_173630.4(RTTN):c.3274G>A (p.Val1092Ile)

Gene: RTTN (rotatin; minus strand). Cytogenetic location: 18q22.2.
Variant type: single nucleotide variant.
Coding change: c.3274G>A on transcript NM_173630.4 (MANE Select); coding-DNA position 3274, G replaced by A.
Protein change: p.Val1092Ile; replaces valine 1092 with isoleucine.
Molecular consequence: missense variant.
Genome position (GRCh38, 1-based): chr18:70,127,611, C>T on the plus strand (G>A on the coding strand, the complement: RTTN is on the minus strand). VCF-style: chr18-70127611-C-T. GRCh37 (hg19) VCF-style: chr18-67794847-C-T.
Other names: c.3274G>A (NM_173630.3); c.538G>A, p.Val180Ile (NM_001318520.2); short protein forms V1092I, V180I.
Identifiers: ClinVar variation 1462085 (VCV001462085.5), dbSNP rs763211093, ClinGen allele CA8995626.